The following is an entry in ClinVar:

ClinVar aggregate classification (germline): Uncertain significance. Review status: criteria provided, multiple submitters, no conflicts (2 of 4 stars). 2 submissions from 2 submitters: Uncertain significance (2). Last evaluated 2025-08-01.

Conditions:
Hereditary cancer-predisposing syndrome. Also called: Hereditary neoplastic syndrome; Tumor predisposition; Hereditary Cancer Syndrome; Neoplastic Syndromes, Hereditary. Identifiers: Orphanet 140162, MedGen C0027672, MeSH D009386, MONDO:0015356.
Renal cell carcinoma. Identifiers: Orphanet 217071, MedGen C0007134, MeSH D002292, MONDO:0005086, HP:0005584.

Submissions (2):

Ambry Genetics
Classification: Uncertain significance for Hereditary cancer-predisposing syndrome. Last evaluated: 2025-08-01. Review status: criteria provided, single submitter. Criteria: Ambry Variant Classification Scheme 2023. Collection method: clinical testing. Allele origin: germline.
Comment: The p.T779A variant (also known as c.2335A>G), located in coding exon 9 of the MET gene, results from an A to G substitution at nucleotide position 2335. The threonine at codon 779 is replaced by alanine, an amino acid with similar properties. This amino acid position is conserved. In addition, the in silico prediction for this alteration is inconclusive. Based on the available evidence, the clinical significance of this variant remains unclear.

Labcorp Genetics (formerly Invitae), Labcorp
Classification: Uncertain significance for Renal cell carcinoma. Last evaluated: 2024-06-14. Review status: criteria provided, single submitter. Criteria: Invitae Variant Classification Sherloc (09022015). Collection method: clinical testing. Allele origin: germline.
Comment: This sequence change replaces threonine, which is neutral and polar, with alanine, which is neutral and non-polar, at codon 779 of the MET protein (p.Thr779Ala). This variant is not present in population databases (gnomAD no frequency). This variant has not been reported in the literature in individuals affected with MET-related conditions. Advanced modeling of protein sequence and biophysical properties (such as structural, functional, and spatial information, amino acid conservation, physicochemical variation, residue mobility, and thermodynamic stability) performed at Invitae indicates that this missense variant is not expected to disrupt MET protein function with a negative predictive value of 80%. In summary, the available evidence is currently insufficient to determine the role of this variant in disease. Therefore, it has been classified as a Variant of Uncertain Significance.

NM_000245.4(MET):c.2281A>G (p.Thr761Ala)

Gene: MET (MET proto-oncogene, receptor tyrosine kinase; plus strand). Cytogenetic location: 7q31.2.
Variant type: single nucleotide variant.
Coding change: c.2281A>G on transcript NM_000245.4 (MANE Select); coding-DNA position 2281, A replaced by G.
Protein change: p.Thr761Ala; replaces threonine 761 with alanine.
Molecular consequence: missense variant.
Genome position (GRCh38, 1-based): chr7:116,759,407, A>G. VCF-style: chr7-116759407-A-G. GRCh37 (hg19) VCF-style: chr7-116399461-A-G.
Other names: c.2335A>G, p.Thr779Ala (NM_001127500.3); c.2281A>G, p.Thr761Ala (NM_001324401.3); c.991A>G, p.Thr331Ala (NM_001324402.2); short protein forms T331A, T761A, T779A.
Identifiers: ClinVar variation 3705665 (VCV003705665.3).